The following is an entry in ClinVar:

NM_003743.5(NCOA1):c.107G>A (p.Arg36Lys)

Gene: NCOA1 (nuclear receptor coactivator 1; plus strand). Cytogenetic location: 2p23.3.
Variant type: single nucleotide variant.
Coding change: c.107G>A on transcript NM_003743.5 (MANE Select); coding-DNA position 107, G replaced by A.
Protein change: p.Arg36Lys; replaces arginine 36 with lysine.
Molecular consequence: missense variant.
Genome position (GRCh38, 1-based): chr2:24,665,766, G>A. VCF-style: chr2-24665766-G-A. GRCh37 (hg19) VCF-style: chr2-24888635-G-A.
Other names: c.107G>A, p.Arg36Lys (NM_001362950.1, NM_001362952.1, NM_001362954.1 and 3 more transcripts); short protein forms R36K.
Identifiers: ClinVar variation 4991979 (VCV004991979.1).

ClinVar aggregate classification (germline): Uncertain significance (1 of 4 stars; one submission).

Conditions:
NCOA1-related disorder. Also called: NCOA1-related condition.

Submission:

PreventionGenetics, part of Exact Sciences
Classification: Uncertain significance for NCOA1-related condition. Last evaluated: 2025-09-23. Review status: criteria provided, single submitter. Criteria: ACMG Guidelines, 2015. Collection method: clinical testing. Allele origin: germline.
Comment: The NCOA1 c.107G>A variant is predicted to result in the amino acid substitution p.Arg36Lys. To our knowledge, this variant has not been reported in the literature or in a large population database (gnomAD), indicating this variant is rare. At this time, the clinical significance of this variant is uncertain due to the absence of conclusive functional and genetic evidence.